The following is an entry in ClinVar:

ClinVar aggregate classification (germline): Conflicting classifications of pathogenicity. Review status: criteria provided, conflicting classifications (1 of 4 stars). 7 submissions from 7 submitters: Uncertain significance (1); Likely benign (4). 2 of the submissions do not count toward it. Last evaluated 2026-02-01.

Conditions:
PIK3R5-related disorder. Also called: PIK3R5-related condition.
Ataxia with oculomotor apraxia type 3. Also called: Ataxia-oculomotor apraxia 3. Identifiers: Orphanet 64753, MedGen C3554690, MONDO:0014084, OMIM 615217.

Allele frequency attached by ClinVar (database versions not stated): 1000 Genomes Project 0.00180; 1000 Genomes Project 30x 0.00187; TOPMed 0.00252; gnomAD 0.00275 and 0.00280; ExAC 0.00283; gnomAD exomes 0.00297 and 0.00354; ESP Exome Variant Server 0.00346.

Submissions (7):

CeGaT Center for Human Genetics Tuebingen
Classification: Likely benign. Last evaluated: 2026-02-01. Review status: criteria provided, single submitter. Criteria: CeGaT Center For Human Genetics Tuebingen Variant Classification Criteria Version 2. Collection method: clinical testing. Allele origin: germline. Affected: yes. Observed: 4 variant alleles.
Comment: PIK3R5: BP4, BS2

PreventionGenetics, part of Exact Sciences
Classification: Likely benign for PIK3R5-related condition. Last evaluated: 2025-12-10. Review status: criteria provided, single submitter. Criteria: ACMG Guidelines, 2015. Collection method: clinical testing. Allele origin: germline.
Comment: This variant is classified as likely benign based on ACMG/AMP sequence variant interpretation guidelines (Richards et al. 2015 PMID: 25741868, with internal and published modifications).

Genetic Services Laboratory, University of Chicago
Classification: Likely benign. Last evaluated: 2019-07-03. Review status: criteria provided, single submitter. Criteria: ACMG Guidelines, 2015. Collection method: clinical testing. Allele origin: germline. Affected: no.

Labcorp Genetics (formerly Invitae), Labcorp
Classification: Likely benign. Last evaluated: 2018-07-06. Review status: criteria provided, single submitter. Criteria: Invitae Variant Classification Sherloc (09022015). Collection method: clinical testing. Allele origin: germline.

Baylor Genetics
Classification: Uncertain significance for Ataxia with oculomotor apraxia type 3. Last evaluated: 2018-02-26. Review status: criteria provided, single submitter. Criteria: ACMG Guidelines, 2015. Collection method: clinical testing. Allele origin: unknown. Affected: yes.
Comment: This variant was determined to be of uncertain significance according to ACMG Guidelines, 2015 [PMID:25741868].

Clinical Genetics DNA and cytogenetics Diagnostics Lab, Erasmus MC, Erasmus Medical Center
Classification: Likely benign. Review status: no assertion criteria provided. Collection method: clinical testing. Allele origin: germline. Affected: yes. Study: VKGL Data-share Consensus. Not counted in ClinVar's aggregate classification.

Diagnostic Laboratory, Department of Genetics, University Medical Center Groningen
Classification: Likely benign. Review status: no assertion criteria provided. Collection method: clinical testing. Allele origin: germline. Affected: yes. Study: VKGL Data-share Consensus. Not counted in ClinVar's aggregate classification.

NM_001142633.3(PIK3R5):c.2557C>T (p.Pro853Ser)

Gene: PIK3R5 (phosphoinositide-3-kinase regulatory subunit 5; minus strand). Cytogenetic location: 17p13.1.
Variant type: single nucleotide variant.
Coding change: c.2557C>T on transcript NM_001142633.3 (MANE Select); coding-DNA position 2557, C replaced by T.
Protein change: p.Pro853Ser; replaces proline 853 with serine.
Molecular consequence: missense variant.
Genome position (GRCh38, 1-based): chr17:8,880,725, G>A on the plus strand (C>T on the coding strand, the complement: PIK3R5 is on the minus strand). VCF-style: chr17-8880725-G-A. GRCh37 (hg19) VCF-style: chr17-8784042-G-A.
Other names: c.1399C>T, p.Pro467Ser (NM_001251851.2, NM_001251852.2, NM_001251853.2 and 4 more transcripts); c.2554C>T, p.Pro852Ser (NM_001388396.1); c.1396C>T, p.Pro466Ser (NM_001388400.1); c.2557C>T, p.Pro853Ser (NM_014308.4); short protein forms P853S, P467S, P466S, P852S.
Identifiers: ClinVar variation 211906 (VCV000211906.36), dbSNP rs62620227, ClinGen allele CA208866.